The following is an entry in ClinVar:

ClinVar aggregate classification (germline): Uncertain significance (1 of 4 stars; one submission).

Conditions:
Lethal multiple pterygium syndrome (LMPS). Identifiers: Orphanet 33108, MedGen C1854678, MONDO:0009668, OMIM 253290.

Submission:

Labcorp Genetics (formerly Invitae), Labcorp
Classification: Uncertain significance for Lethal multiple pterygium syndrome. Last evaluated: 2023-04-24. Review status: criteria provided, single submitter. Criteria: Invitae Variant Classification Sherloc (09022015). Collection method: clinical testing. Allele origin: germline.
Comment: This variant has not been reported in the literature in individuals affected with CHRNA1-related conditions. This variant is not present in population databases (gnomAD no frequency). This sequence change replaces phenylalanine, which is neutral and non-polar, with serine, which is neutral and polar, at codon 276 of the CHRNA1 protein (p.Phe276Ser). Advanced modeling of protein sequence and biophysical properties (such as structural, functional, and spatial information, amino acid conservation, physicochemical variation, residue mobility, and thermodynamic stability) performed at Invitae indicates that this missense variant is expected to disrupt CHRNA1 protein function. In summary, the available evidence is currently insufficient to determine the role of this variant in disease. Therefore, it has been classified as a Variant of Uncertain Significance.

NM_000079.4(CHRNA1):c.827T>C (p.Phe276Ser)

Gene: CHRNA1 (cholinergic receptor nicotinic alpha 1 subunit; minus strand). Cytogenetic location: 2q31.1.
Variant type: single nucleotide variant.
Coding change: c.827T>C on transcript NM_000079.4 (MANE Select); coding-DNA position 827, T replaced by C.
Protein change: p.Phe276Ser; replaces phenylalanine 276 with serine.
Molecular consequence: missense variant.
Genome position (GRCh38, 1-based): chr2:174,750,121, A>G on the plus strand (T>C on the coding strand, the complement: CHRNA1 is on the minus strand). VCF-style: chr2-174750121-A-G. GRCh37 (hg19) VCF-style: chr2-175614849-A-G.
Other names: c.902T>C, p.Phe301Ser (NM_001039523.3); short protein forms F276S, F301S.
Identifiers: ClinVar variation 2870351 (VCV002870351.3), dbSNP rs2468888963, ClinGen allele CA349336861.
Genomic context (GRCh38, chr2:174,750,121, plus strand): 5'-TTTCCAATCAAGGGCACAGCACTGGACGTGGAGGGGATCAGCTCCACGATGACCAGAAGG[A>G]ACACAGTCAAAGACAGTAAGACAGAGATGCTCAGAGTCATCTTCTCCCCTGAAAAGACCA-3'
Protein context (NP_000070.1, residues 266-286): SISVLLSLTV[Phe276Ser]LLVIVELIPS